The following is an entry in ClinVar:

NM_001195553.2(DCX):c.646G>T (p.Glu216Ter)

Gene: DCX (doublecortin; minus strand). Cytogenetic location: Xq23.
Variant type: single nucleotide variant.
Coding change: c.646G>T on transcript NM_001195553.2 (MANE Select); coding-DNA position 646, G replaced by T.
Protein change: p.Glu216Ter; replaces glutamic acid 216 with a stop codon.
Molecular consequence: nonsense.
Genome position (GRCh38, 1-based): chrX:111,401,049, C>A on the plus strand (G>T on the coding strand, the complement: DCX is on the minus strand). VCF-style: chrX-111401049-C-A. GRCh37 (hg19) VCF-style: chrX-110644277-C-A.
Other names: c.889G>T, p.Glu297Ter (NM_000555.3); c.646G>T, p.Glu216Ter (NM_001369370.1, NM_001369371.1, NM_001369372.1 and 6 more transcripts); short protein forms E216*, E297*.
Identifiers: ClinVar variation 4281247 (VCV004281247.7).

ClinVar aggregate classification (germline): Pathogenic (1 of 4 stars; one submission).

Submission:

CeGaT Center for Human Genetics Tuebingen
Classification: Pathogenic. Last evaluated: 2025-09-01. Review status: criteria provided, single submitter. Criteria: CeGaT Center For Human Genetics Tuebingen Variant Classification Criteria Version 2. Collection method: clinical testing. Allele origin: germline. Affected: yes. Observed: 1 variant allele.
Comment: DCX: PVS1, PM2, PS4:Supporting